The following is an entry in ClinVar:

ClinVar aggregate classification (germline): Uncertain significance. Review status: criteria provided, single submitter (1 of 4 stars). 2 submissions from 2 submitters: Uncertain significance (1). 1 of the submissions does not count toward it. Last evaluated 2013-06-11.

Conditions:
Autosomal recessive nonsyndromic hearing loss 77. Identifiers: Orphanet 90636, MedGen C2746083, MONDO:0013119, OMIM 613079.

Allele frequency attached by ClinVar (database versions not stated): TOPMed below 0.00001; gnomAD exomes 0.00001.
gnomAD v4.1: 10 of 1,551,734 alleles (0.00064%); highest among the groups gnomAD compares: Admixed American, 0.002%; no homozygotes.

Submissions (2):

Laboratory for Molecular Medicine, Mass General Brigham Personalized Medicine
Classification: Uncertain significance. Last evaluated: 2013-06-11. Review status: criteria provided, single submitter. Criteria: LMM Criteria. Collection method: clinical testing. Allele origin: germline. Observed: 1 variant allele.
Comment: The Asp1143Val in LOXHD1 has not been reported in individuals with hearing loss or in large population studies. Computational analyses (biochemical amino acid p roperties, conservation, AlignGVGD, PolyPhen2, and SIFT) suggest that the varian t may impact the protein, though this information is not predictive enough to de termine pathogenicity. In summary, additional information is needed to fully ass ess the clinical significance of the Asp1143Val variant.

Natera, Inc.
Classification: Uncertain significance for Autosomal recessive deafness type 77. Last evaluated: 2020-02-21. Review status: no assertion criteria provided. Collection method: clinical testing. Allele origin: germline. Not counted in ClinVar's aggregate classification.

NM_001384474.1(LOXHD1):c.3428A>T (p.Asp1143Val)

Gene: LOXHD1 (lipoxygenase homology PLAT domains 1; minus strand). Cytogenetic location: 18q21.1.
Variant type: single nucleotide variant.
Coding change: c.3428A>T on transcript NM_001384474.1 (MANE Select); coding-DNA position 3428, A replaced by T.
Protein change: p.Asp1143Val; replaces aspartic acid 1143 with valine.
Molecular consequence: missense variant. On other transcripts: 5 prime UTR variant (1).
Genome position (GRCh38, 1-based): chr18:46,546,981, T>A on the plus strand (A>T on the coding strand, the complement: LOXHD1 is on the minus strand). VCF-style: chr18-46546981-T-A. GRCh37 (hg19) VCF-style: chr18-44126944-T-A.
Other names: c.95A>T, p.Asp32Val (NM_001145472.3); c.-194A>T (NM_001308013.2); c.3428A>T, p.Asp1143Val (NM_144612.7); short protein forms D1143V, D32V.
Identifiers: ClinVar variation 163916 (VCV000163916.5), dbSNP rs727503143, ClinGen allele CA176636.